The following is an entry in ClinVar:

ClinVar aggregate classification (germline): Pathogenic (1 of 4 stars; one submission).

Submission:

Labcorp Genetics (formerly Invitae), Labcorp
Classification: Pathogenic. Last evaluated: 2022-08-26. Review status: criteria provided, single submitter. Criteria: Invitae Variant Classification Sherloc (09022015). Collection method: clinical testing. Allele origin: germline.
Comment: For these reasons, this variant has been classified as Pathogenic. This sequence change creates a premature translational stop signal (p.Trp127*) in the CLCN7 gene. It is expected to result in an absent or disrupted protein product. Loss-of-function variants in CLCN7 are known to be pathogenic (PMID: 14584882, 19953639). This variant is not present in population databases (gnomAD no frequency). This variant has not been reported in the literature in individuals affected with CLCN7-related conditions.

Literature cited by the submitters: PubMed 14584882; PubMed 19953639.

NM_001287.6(CLCN7):c.381G>A (p.Trp127Ter)

Gene: CLCN7 (chloride voltage-gated channel 7; minus strand). Cytogenetic location: 16p13.3.
Variant type: single nucleotide variant.
Coding change: c.381G>A on transcript NM_001287.6 (MANE Select); coding-DNA position 381, G replaced by A.
Protein change: p.Trp127Ter; replaces tryptophan 127 with a stop codon.
Molecular consequence: nonsense.
Genome position (GRCh38, 1-based): chr16:1,460,919, C>T on the plus strand (G>A on the coding strand, the complement: CLCN7 is on the minus strand). VCF-style: chr16-1460919-C-T. GRCh37 (hg19) VCF-style: chr16-1510920-C-T.
Other names: c.309G>A, p.Trp103Ter (NM_001114331.3); short protein forms W127*, W103*.
Identifiers: ClinVar variation 2025971 (VCV002025971.4), dbSNP rs2505845675, ClinGen allele CA394192662.